The following is an entry in ClinVar:

ClinVar aggregate classification (germline): Uncertain significance. Review status: criteria provided, multiple submitters, no conflicts (2 of 4 stars). 3 submissions from 3 submitters: Uncertain significance (2). 1 of the submissions does not count toward it. Last evaluated 2024-04-26.

Conditions:
beta Thalassemia (BTHAL). Also called: Cooley's anemia; Erythroblastic anemia; Mediterranean anemia. Identifiers: Orphanet 848, MedGen C0005283, MONDO:0019402. Disease mechanism: loss of function.
Malaria, susceptibility to. Identifiers: Orphanet 673, MedGen C1970028, MONDO:0021024, OMIM 611162.
METHEMOGLOBINEMIA, BETA TYPE. Also called: Methemoglobinemia, beta-globin type. Identifiers: MedGen C1840779, OMIM 617971.
Hereditary persistence of fetal hemoglobin. Identifiers: MedGen C0019025, MONDO:0020989, OMIM 141749.
Erythrocytosis, familial, 6. Also called: ERYTHROCYTOSIS, BETA-GLOBIN TYPE; POLYCYTHEMIA, BETA-GLOBIN TYPE. Identifiers: MedGen C4693822, MONDO:0054801, OMIM 617980.
Beta-thalassemia HBB/LCRB. Identifiers: MedGen CN322236, MONDO:0013517, OMIM 613985.
Hb SS disease (SCD). Also called: Sickle cell anemia; Sickle cell disease; HbS disease; Hemoglobin S Disease; Sickling disorder due to hemoglobin S; Hemoglobin SS. Identifiers: Orphanet 232, Orphanet 275752, MedGen C0002895, MONDO:0011382, OMIM 603903.
Heinz body anemia. Also called: Heinz body hemolytic anemia. Identifiers: Orphanet 178330, MedGen C0700299, MONDO:0007705, OMIM 140700, HP:0005511.
Dominant beta-thalassemia. Also called: Beta-thalassemia, dominant inclusion body type. Identifiers: Orphanet 231226, Orphanet 848, MedGen C1858990, MONDO:0011381, OMIM 603902.

Allele frequency attached by ClinVar (database versions not stated): gnomAD exomes below 0.00001; TOPMed 0.00001; gnomAD 0.00001.
gnomAD v4.1: 2 of 1,613,996 alleles (0.00012%); highest among the groups gnomAD compares: African/African-American, 0.0013%; no homozygotes.

Submissions (3):

Fulgent Genetics
Classification: Uncertain significance for Heinz body anemia; Hereditary persistence of fetal hemoglobin; Dominant beta-thalassemia; Hb SS disease; Malaria, susceptibility to; Beta-thalassemia HBB/LCRB; METHEMOGLOBINEMIA, BETA TYPE; Erythrocytosis, familial, 6. Last evaluated: 2024-04-26. Review status: criteria provided, single submitter. Criteria: ACMG Guidelines, 2015. Collection method: clinical testing. Allele origin: germline.

Women's Health and Genetics/Laboratory Corporation of America, LabCorp
Classification: Uncertain significance. Last evaluated: 2024-04-22. Review status: criteria provided, single submitter. Criteria: LabCorp Variant Classification Summary - May 2015. Collection method: clinical testing. Allele origin: germline.
Comment: Variant summary: HBB c.400G>T (p.Val134Leu) results in a conservative amino acid change in the encoded protein sequence. Five of five in-silico tools predict a benign effect of the variant on protein function. The variant was absent in 251356 control chromosomes (gnomAD). The available data on variant occurrences in the general population are insufficient to allow any conclusion about variant significance. To our knowledge, no occurrence of c.400G>T in individuals affected with Beta Thalassemia and no experimental evidence demonstrating its impact on protein function have been reported. Another missense variant resulting in the same amino acid change has been found in associaiton with mild hemolytic anemia (OMIM, PMID: 2705488). No submitters have cited clinical-significance assessments for this variant to ClinVar. Based on the evidence outlined above, the variant was classified as uncertain significance.

Natera, Inc.
Classification: Uncertain significance for Beta thalassemia. Last evaluated: 2025-05-05. Review status: no assertion criteria provided. Collection method: clinical testing. Allele origin: germline. Not counted in ClinVar's aggregate classification.

NM_000518.5(HBB):c.400G>T (p.Val134Leu)

Genes: HBB (hemoglobin subunit beta; minus strand), LOC110006319 (beta-globin gene 3' regulatory region; plus strand), LOC107133510 (origin of replication at HBB; plus strand). Cytogenetic location: 11p15.4.
Variant type: single nucleotide variant.
Coding change: c.400G>T on transcript NM_000518.5 (MANE Select); coding-DNA position 400, G replaced by T.
Protein change: p.Val134Leu; replaces valine 134 with leucine.
Molecular consequence: missense variant.
Genome position (GRCh38, 1-based): chr11:5,225,642, C>A on the plus strand (G>T on the coding strand, the complement: HBB is on the minus strand). VCF-style: chr11-5225642-C-A. GRCh37 (hg19) VCF-style: chr11-5246872-C-A.
Other names: short protein forms V134L.
Identifiers: ClinVar variation 3251803 (VCV003251803.3), dbSNP rs34095019.
Genomic context (GRCh38, chr11:5,225,642, plus strand): 5'-CAGCAAGAAAGCGAGCTTAGTGATACTTGTGGGCCAGGGCATTAGCCACACCAGCCACCA[C>A]TTTCTGATAGGCAGCCTGCACTGGTGGGGTGAATTCTTTGCCAAAGTGATGGGCCAGCAC-3'
Protein context (NP_000509.1, residues 124-144): TPPVQAAYQK[Val134Leu]VAGVANALAH